The following is an entry in ClinVar:

ClinVar aggregate classification (germline): Uncertain significance (1 of 4 stars; one submission).

Conditions:
Common variable immunodeficiency (CVID). Also called: Common variable hypogamma-globulinemia; Common variable agammaglobulinemia. Identifiers: Orphanet 1572, MedGen C0009447, MONDO:0015517.

Submission:

Labcorp Genetics (formerly Invitae), Labcorp
Classification: Uncertain significance for Common variable immunodeficiency. Last evaluated: 2023-11-27. Review status: criteria provided, single submitter. Criteria: Invitae Variant Classification Sherloc (09022015). Collection method: clinical testing. Allele origin: germline.
Comment: This sequence change replaces proline, which is neutral and non-polar, with threonine, which is neutral and polar, at codon 16 of the TNFSF12 protein (p.Pro16Thr). This variant is not present in population databases (gnomAD no frequency). This variant has not been reported in the literature in individuals affected with TNFSF12-related conditions. ClinVar contains an entry for this variant (Variation ID: 1436026). Experimental studies and prediction algorithms are not available or were not evaluated, and the functional significance of this variant is currently unknown. In summary, the available evidence is currently insufficient to determine the role of this variant in disease. Therefore, it has been classified as a Variant of Uncertain Significance.

NM_003809.3(TNFSF12):c.46C>A (p.Pro16Thr)

Genes: TNFSF12 (TNF superfamily member 12; plus strand), TNFSF12-TNFSF13 (TNFSF12-TNFSF13 readthrough; plus strand), LOC130060153 (ATAC-STARR-seq lymphoblastoid silent region 8127; plus strand). Cytogenetic location: 17p13.1.
Variant type: single nucleotide variant.
Coding change: c.46C>A on transcript NM_003809.3 (MANE Select); coding-DNA position 46, C replaced by A.
Protein change: p.Pro16Thr; replaces proline 16 with threonine.
Molecular consequence: missense variant. On other transcripts: non-coding transcript variant (1).
Genome position (GRCh38, 1-based): chr17:7,549,199, C>A. VCF-style: chr17-7549199-C-A. GRCh37 (hg19) VCF-style: chr17-7452516-C-A.
Other names: c.46C>A, p.Pro16Thr (NM_172089.4); short protein forms P16T.
Identifiers: ClinVar variation 1436026 (VCV001436026.6), dbSNP rs2150904004, ClinGen allele CA397853271.